The following is an entry in ClinVar:

ClinVar aggregate classification (germline): Uncertain significance. Review status: criteria provided, multiple submitters, no conflicts (2 of 4 stars). 4 submissions from 4 submitters: Uncertain significance (4). Last evaluated 2024-12-23.

Conditions:
Hereditary nonpolyposis colorectal neoplasms. Identifiers: MedGen C0009405, MeSH D003123.
Lynch syndrome. Identifiers: Orphanet 144, MedGen C4552100, MONDO:0005835. Disease mechanism: loss of function.
Hereditary cancer-predisposing syndrome. Also called: Tumor predisposition; Hereditary Cancer Syndrome; Hereditary neoplastic syndrome; Neoplastic Syndromes, Hereditary. Identifiers: Orphanet 140162, MedGen C0027672, MeSH D009386, MONDO:0015356.

Submissions (4):

Ambry Genetics
Classification: Uncertain significance for Hereditary cancer-predisposing syndrome. Last evaluated: 2024-12-23. Review status: criteria provided, single submitter. Criteria: Ambry Variant Classification Scheme 2023. Collection method: clinical testing. Allele origin: germline.
Comment: The p.I886V variant (also known as c.2656A>G), located in coding exon 4 of the MSH6 gene, results from an A to G substitution at nucleotide position 2656. The isoleucine at codon 886 is replaced by valine, an amino acid with highly similar properties. This variant was found to be absent from 1068 colorectal cancer cases as well as 738 cancer-free controls in a German study (Schafmayer C et al. Int. J. Cancer, 2007 Aug;121:555-8). This amino acid position is not well conserved in available vertebrate species. In addition, this alteration is predicted to be tolerated by in silico analysis. Based on the available evidence, the clinical significance of this variant remains unclear.

Labcorp Genetics (formerly Invitae), Labcorp
Classification: Uncertain significance for Hereditary nonpolyposis colorectal neoplasms. Last evaluated: 2024-06-10. Review status: criteria provided, single submitter. Criteria: Invitae Variant Classification Sherloc (09022015). Collection method: clinical testing. Allele origin: germline.
Comment: This sequence change replaces isoleucine, which is neutral and non-polar, with valine, which is neutral and non-polar, at codon 886 of the MSH6 protein (p.Ile886Val). This variant is present in population databases (rs2020914, gnomAD 0.006%). This variant has not been reported in the literature in individuals affected with MSH6-related conditions. ClinVar contains an entry for this variant (Variation ID: 89306). Advanced modeling of protein sequence and biophysical properties (such as structural, functional, and spatial information, amino acid conservation, physicochemical variation, residue mobility, and thermodynamic stability) performed at Invitae indicates that this missense variant is not expected to disrupt MSH6 protein function with a negative predictive value of 95%. In summary, the available evidence is currently insufficient to determine the role of this variant in disease. Therefore, it has been classified as a Variant of Uncertain Significance.

Department of Pathology and Laboratory Medicine, Sinai Health System
Classification: Uncertain significance for Lynch syndrome. Last evaluated: 2022-02-01. Review status: criteria provided, single submitter. Criteria: ACMG Guidelines, 2015. Collection method: clinical testing. Allele origin: germline. Affected: yes.

Color Diagnostics, LLC DBA Color Health
Classification: Uncertain significance for Hereditary cancer-predisposing syndrome. Last evaluated: 2021-10-12. Review status: criteria provided, single submitter. Criteria: ACMG Guidelines, 2015. Collection method: clinical testing. Allele origin: germline.
Comment: This missense variant replaces isoleucine with valine at codon 886 of the MSH6 protein. Computational prediction suggests that this variant may not impact protein structure and function (internally defined REVEL score threshold <= 0.5, PMID: 27666373). To our knowledge, functional studies have not been reported for this variant. This variant has not been reported in individuals affected with hereditary cancer in the literature. This variant has not been identified in the general population by the Genome Aggregation Database (gnomAD). The available evidence is insufficient to determine the role of this variant in disease conclusively. Therefore, this variant is classified as a Variant of Uncertain Significance.

Literature cited by the submitters: PubMed 17417778 (cited by Ambry Genetics); PubMed 22290698 (cited by Ambry Genetics).

NM_000179.3(MSH6):c.2656A>G (p.Ile886Val)

Gene: MSH6 (mutS homolog 6; plus strand). Cytogenetic location: 2p16.3.
Variant type: single nucleotide variant.
Coding change: c.2656A>G on transcript NM_000179.3 (MANE Select); coding-DNA position 2656, A replaced by G.
Protein change: p.Ile886Val; replaces isoleucine 886 with valine.
Molecular consequence: missense variant.
Genome position (GRCh38, 1-based): chr2:47,800,639, A>G. VCF-style: chr2-47800639-A-G. GRCh37 (hg19) VCF-style: chr2-48027778-A-G.
Other names: c.2266A>G, p.Ile756Val (NM_001281492.2); c.1750A>G, p.Ile584Val (NM_001281493.2, NM_001281494.2); short protein forms I886V, I584V, I756V.
Identifiers: ClinVar variation 89306 (VCV000089306.14), dbSNP rs2020914, ClinGen allele CA010670.
Genomic context (GRCh38, chr2:47,800,639, plus strand): 5'-AAAGTAATGTGTAAAATTATAGGGATCATGGAAGAAGTTGCTGATGGTTTTAAGTCTAAA[A>G]TCCTTAAGCAGGTCATCTCTCTGCAGACAAAAAATCCTGAAGGTCGTTTTCCTGATTTGA-3'
Protein context (NP_000170.1, residues 876-896): EEVADGFKSK[Ile886Val]LKQVISLQTK